The following is an entry in ClinVar:

ClinVar aggregate classification (germline): Benign/Likely benign. Review status: criteria provided, multiple submitters, no conflicts (2 of 4 stars). 5 submissions from 5 submitters: Benign (3); Likely benign (1). 1 of the submissions does not count toward it. Last evaluated 2026-01-27.

Conditions:
JAK1-related disorder. Also called: JAK1-related condition.

Allele frequency attached by ClinVar (database versions not stated): ESP Exome Variant Server 0.00083; gnomAD 0.00128 and 0.00225; TOPMed 0.00156; gnomAD exomes 0.00319 and 0.00590; ExAC 0.00604; 1000 Genomes Project 30x 0.00874; 1000 Genomes Project 0.00998.
gnomAD v4.1: 5,112 of 1,614,156 alleles (0.32%); highest among the groups gnomAD compares: South Asian, 3.5%; 108 homozygotes.

Submissions (5):

Labcorp Genetics (formerly Invitae), Labcorp
Classification: Benign. Last evaluated: 2026-01-27. Review status: criteria provided, single submitter. Criteria: Invitae Variant Classification Sherloc (09022015). Collection method: clinical testing. Allele origin: germline.

Blueprint Genetics
Classification: Likely benign. Last evaluated: 2024-11-26. Review status: criteria provided, single submitter. Criteria: ACMG Guidelines, 2015. Collection method: clinical testing. Allele origin: germline.

Mayo Clinic Laboratories, Mayo Clinic
Classification: Benign. Last evaluated: 2024-05-28. Review status: criteria provided, single submitter. Criteria: ACMG Guidelines, 2015. Collection method: clinical testing. Allele origin: germline. Observed: 3 variant alleles.
Comment: BS1, BS2, BP4, BP7

Breakthrough Genomics
Classification: Benign. Review status: criteria provided, single submitter. Criteria: ACMG Guidelines, 2015. Collection method: not provided. Allele origin: germline. Inheritance: Autosomal dominant inheritance. Affected: yes.

PreventionGenetics, part of Exact Sciences
Classification: Benign for JAK1-related condition. Last evaluated: 2020-02-26. Review status: no assertion criteria provided. Collection method: clinical testing. Allele origin: germline. Not counted in ClinVar's aggregate classification.
Comment: This variant is classified as benign based on ACMG/AMP sequence variant interpretation guidelines (Richards et al. 2015 PMID: 25741868, with internal and published modifications).

NM_002227.4(JAK1):c.3093T>C (p.Asp1031=)

Gene: JAK1 (Janus kinase 1; minus strand). Cytogenetic location: 1p31.3.
Variant type: single nucleotide variant.
Coding change: c.3093T>C on transcript NM_002227.4 (MANE Select); coding-DNA position 3093, T replaced by C.
Protein change: p.Asp1031=; no amino-acid change (aspartic acid 1031 retained).
Molecular consequence: synonymous variant.
Genome position (GRCh38, 1-based): chr1:64,837,979, A>G on the plus strand (T>C on the coding strand, the complement: JAK1 is on the minus strand). VCF-style: chr1-64837979-A-G. GRCh37 (hg19) VCF-style: chr1-65303662-A-G.
Other names: p.Asp1031=; c.3093T>C (NM_002227.3); c.3093T>C, p.Asp1031= (NM_001320923.2, NM_001321852.2, NM_001321853.2 and 3 more transcripts); c.3090T>C, p.Asp1030= (NM_001321857.2).
Identifiers: ClinVar variation 773145 (VCV000773145.16), dbSNP rs17392258, ClinGen allele CA892529.
Genomic context (GRCh38, chr1:64,837,979, plus strand): 5'-TTGATTCAGTTACCAAAACACAGGGCTGTCCCGGTCATCCTTGACGGTGTAATACTCCTT[A>G]TCGGTTTCAATTGCTTTGGTTAAACCGAAGTCTCCAATTTTCACTTGGTGTTCACTCTCA-3'
Protein context (NP_002218.2, residues 1021-1041): DFGLTKAIET[Asp1031=]KEYYTVKDDR